The following is an entry in ClinVar:

NM_000400.4(ERCC2):c.1867dup (p.Val623fs)

Gene: ERCC2 (ERCC excision repair 2, TFIIH core complex helicase subunit; minus strand). Cytogenetic location: 19q13.32.
Variant type: Duplication.
Coding change: c.1867dup on transcript NM_000400.4 (MANE Select); coding-DNA position 1867, one base duplicated (G; older notation c.1867dupG).
Protein change: p.Val623fs; shifts the reading frame from valine 623.
Molecular consequence: frameshift variant.
Genome position (GRCh38, 1-based): chr19:45,352,781, C duplicated on the plus strand (G on the coding strand, the reverse complement: ERCC2 is on the minus strand). VCF-style (leftmost placement, unchanged base first): chr19-45352780-A-AC. GRCh37 (hg19) VCF-style: chr19-45856038-A-AC.
Other names: c.1867dupG (NM_000400.4, NM_000400.3); short protein forms V623fs.
Identifiers: ClinVar variation 1363277 (VCV001363277.34), dbSNP rs756630156, ClinGen allele CA9513019.

ClinVar aggregate classification (germline): Pathogenic/Likely pathogenic. Review status: criteria provided, multiple submitters, no conflicts (2 of 4 stars). 9 submissions from 9 submitters: Pathogenic (7); Likely pathogenic (1). 1 of the submissions does not count toward it. Last evaluated 2026-06-29.

Conditions:
Cerebrooculofacioskeletal syndrome 2 (COFS2). Identifiers: MedGen C1853102, MONDO:0012553, OMIM 610756.
Trichothiodystrophy. Identifiers: Orphanet 33364, MedGen C1955934, MONDO:0018053.
ERCC2-related disorder. Also called: ERCC2-related conditions; ERCC2-related condition; ERCC2-related disorders. Identifiers: MedGen CN239291.
Xeroderma pigmentosum, group D (XPD). Also called: ERCC2-Related Xeroderma Pigmentosum; XERODERMA PIGMENTOSUM, COMPLEMENTATION GROUP D; XERODERMA PIGMENTOSUM IV; XP, GROUP D; XP, GROUP H. Identifiers: MedGen C0268138, MONDO:0010212, OMIM 278730.
Trichothiodystrophy 1, photosensitive (TTD1). Also called: TAY SYNDROME; TRICHOTHIODYSTROPHY WITH CONGENITAL ICHTHYOSIS; PIBIDS SYNDROME. Identifiers: Orphanet 33364, MedGen C1866504, MONDO:0011125, OMIM 601675.

Allele frequency attached by ClinVar (database versions not stated): gnomAD 0.00004 and 0.00005; ExAC 0.00006; gnomAD exomes 0.00006 and 0.00008; ESP Exome Variant Server 0.00008.

Submissions (9):

Victorian Clinical Genetics Services, Murdoch Childrens Research Institute
Classification: Pathogenic for Trichothiodystrophy 1, photosensitive. Last evaluated: 2026-06-29. Review status: criteria provided, single submitter. Criteria: ACMG Guidelines, 2015. Collection method: clinical testing. Allele origin: germline. Affected: yes.
Comment: This variant is classified as Pathogenic. Evidence in support of pathogenic classification: Variant is predicted to cause nonsense-mediated decay (NMD) and loss of protein (premature termination codon is located at least 54 nucleotides upstream of the final exon-exon junction); Variant is present in gnomAD <0.01 for a recessive condition (v4: 120 heterozygote(s), 0 homozygote(s)); This variant has strong previous evidence of pathogenicity in unrelated individuals. This variant has been classified as pathogenic by clinical laboratories in ClinVar. It has also been reported in a compound heterozygous state in individuals with ERCC2-related symptoms (PMID: 36259739, 26884178); Other NMD-predicted variants comparable to the one identified in this case have very strong previous evidence for pathogenicity (DECIPHER). Additional information: This variant is heterozygous; This gene is associated with autosomal recessive disease; Loss of function is a known mechanism of disease in this gene and is associated with photosensitive trichothiodystrophy 1 (MIM#601675), xeroderma pigmentosum group D (MIM#278730) and cerebrooculofacioskeletal syndrome 2 (MIM#610756); Variants in this gene are known to have variable expressivity associated with xeroderma pigmentosum group D (PMID: 20301571).

Labcorp Genetics (formerly Invitae), Labcorp
Classification: Pathogenic. Last evaluated: 2026-01-27. Review status: criteria provided, single submitter. Criteria: Invitae Variant Classification Sherloc (09022015). Collection method: clinical testing. Allele origin: germline.
Comment: This sequence change creates a premature translational stop signal (p.Val623Glyfs*26) in the ERCC2 gene. It is expected to result in an absent or disrupted protein product. Loss-of-function variants in ERCC2 are known to be pathogenic (PMID: 9238033, 11335038, 19085937, 19934020). This variant is present in population databases (rs756630156, gnomAD 0.01%). This premature translational stop signal has been observed in individual(s) with xeroderma pigmentosum (PMID: 26884178). ClinVar contains an entry for this variant (Variation ID: 1363277). For these reasons, this variant has been classified as Pathogenic.

CeGaT Center for Human Genetics Tuebingen
Classification: Pathogenic. Last evaluated: 2025-03-01. Review status: criteria provided, single submitter. Criteria: CeGaT Center For Human Genetics Tuebingen Variant Classification Criteria Version 2. Collection method: clinical testing. Allele origin: germline. Affected: yes. Observed: 2 variant alleles.
Comment: ERCC2: PVS1, PM2, PM3:Supporting

PreventionGenetics, part of Exact Sciences
Classification: Pathogenic for ERCC2-related condition. Last evaluated: 2024-11-15. Review status: criteria provided, single submitter. Criteria: ACMG Guidelines, 2015. Collection method: clinical testing. Allele origin: germline.
Comment: The ERCC2 c.1867dupG variant is predicted to result in a frameshift and premature protein termination (p.Val623Glyfs*26). This variant was reported in an individual with xeroderma pigmentosum along with a known pathogenic variant (Fassihi et al. 2016. PubMed ID: 26884178). It has also been observed in an individual with trichothiodystrophy (Lanzafame et al. 2022. PubMed ID: 36259739). This variant is reported in 0.010% of alleles in individuals of European (non-Finnish) descent in gnomAD. Frameshift variants in ERCC2 are expected to be pathogenic. This variant is interpreted as likely pathogenic.

Fulgent Genetics
Classification: Pathogenic for Xeroderma pigmentosum, group D; Trichothiodystrophy 1, photosensitive; Cerebrooculofacioskeletal syndrome 2. Last evaluated: 2024-04-30. Review status: criteria provided, single submitter. Criteria: ACMG Guidelines, 2015. Collection method: clinical testing. Allele origin: germline.

Baylor Genetics
Classification: Pathogenic for Cerebrooculofacioskeletal syndrome 2. Last evaluated: 2024-03-26. Review status: criteria provided, single submitter. Criteria: ACMG Guidelines, 2015. Collection method: clinical testing. Allele origin: unknown.

Women's Health and Genetics/Laboratory Corporation of America, LabCorp
Classification: Pathogenic for Trichothiodystrophy. Last evaluated: 2024-01-31. Review status: criteria provided, single submitter. Criteria: LabCorp Variant Classification Summary - May 2015. Collection method: clinical testing. Allele origin: germline.
Comment: Variant summary: ERCC2 c.1867dupG (p.Val623GlyfsX26) results in a premature termination codon, predicted to cause a truncation of the encoded protein or absence of the protein due to nonsense mediated decay, which are commonly known mechanisms for disease. The variant allele was found at a frequency of 6e-05 in 251098 control chromosomes. This frequency is not significantly higher than estimated for a pathogenic variant in ERCC2 causing Trichothiodystrophy (6e-05 vs 0.00079), allowing no conclusion about variant significance. c.1867dupG has been reported in the literature in at least one compound heterozygous individual affected with Xeroderma pigmentosum (e.g. Fassihi_2016). To our knowledge, no experimental evidence demonstrating an impact on protein function has been reported. The following publication has been ascertained in the context of this evaluation (PMID: 26884178). ClinVar contains an entry for this variant (Variation ID: 1363277). Based on the evidence outlined above, the variant was classified as pathogenic.

Blueprint Genetics
Classification: Likely pathogenic for ERCC2-related disorders. Last evaluated: 2022-04-07. Review status: criteria provided, single submitter. Criteria: ACMG Guidelines, 2015. Collection method: clinical testing. Allele origin: germline. Affected: yes. Observed: 4 variant alleles.

Istituto di Genetica Molecolare, National Research Council of Italy
Classification: Pathogenic for Trichothiodystrophy 1, photosensitive. Review status: no assertion criteria provided. Collection method: research. Allele origin: germline. Affected: yes. Not counted in ClinVar's aggregate classification.

Literature cited by the submitters: PubMed 26884178 (cited by 3 submitters); PubMed 36259739 (cited by Victorian Clinical Genetics Services, Murdoch Childrens Research Institute); PubMed 20301571 (cited by Victorian Clinical Genetics Services, Murdoch Childrens Research Institute); PubMed 9238033 (cited by Labcorp Genetics (formerly Invitae), Labcorp); PubMed 11335038 (cited by Labcorp Genetics (formerly Invitae), Labcorp); PubMed 19085937 (cited by Labcorp Genetics (formerly Invitae), Labcorp); PubMed 19934020 (cited by Labcorp Genetics (formerly Invitae), Labcorp); DOI 10.1002/humu.24488 (cited by Istituto di Genetica Molecolare, National Research Council of Italy).